The following is an entry in ClinVar:

NM_000016.6(ACADM):c.1228_1230del (p.Ile410del)

Gene: ACADM (acyl-CoA dehydrogenase medium chain; plus strand). Cytogenetic location: 1p31.1.
Variant type: Deletion.
Coding change: c.1228_1230del on transcript NM_000016.6 (MANE Select); coding-DNA positions 1228 to 1230, 3 bases deleted (ATT; older notation c.1228_1230delATT).
Protein change: p.Ile410del; deletes isoleucine 410.
Molecular consequence: inframe deletion.
Genome position (GRCh38, 1-based): chr1:75,762,725-75,762,727, ATT deleted; deleting any 3 consecutive bases within chr1:75,762,723-75,762,727 gives the same sequence; the c. name uses the placement nearest the transcript's 3' end. VCF-style (leftmost placement, unchanged base first): chr1-75762722-CTTA-C. GRCh37 (hg19) VCF-style: chr1-76228407-CTTA-C.
Other names: c.1240_1242del, p.Ile414del (NM_001127328.3); c.1120_1122del, p.Ile374del (NM_001286042.2); c.1327_1329del, p.Ile443del (NM_001286043.2); c.661_663del, p.Ile221del (NM_001286044.2); short protein forms I414del, I221del, I374del, I410del, I443del.
Identifiers: ClinVar variation 2694828 (VCV002694828.3), dbSNP rs2525706749, ClinGen allele CA2697552483.

ClinVar aggregate classification (germline): Pathogenic (1 of 4 stars; one submission).

Conditions:
Medium-chain acyl-coenzyme A dehydrogenase deficiency (ACADMD). Also called: ACADM DEFICIENCY; MCAD Deficiency; MCADD; MCADH DEFICIENCY; Medium chain acyl-CoA dehydrogenase deficiency; CARNITINE DEFICIENCY SECONDARY TO MEDIUM-CHAIN ACYL-CoA DEHYDROGENASE DEFICIENCY. Identifiers: Orphanet 42, MedGen C0220710, MONDO:0008721, OMIM 201450.

Submission:

Labcorp Genetics (formerly Invitae), Labcorp
Classification: Pathogenic for Medium-chain acyl-coenzyme A dehydrogenase deficiency. Last evaluated: 2023-11-10. Review status: criteria provided, single submitter. Criteria: Invitae Variant Classification Sherloc (09022015). Collection method: clinical testing. Allele origin: germline.
Comment: This variant, c.1228_1230del, results in the deletion of 1 amino acid(s) of the ACADM protein (p.Ile410del), but otherwise preserves the integrity of the reading frame. This variant is not present in population databases (gnomAD no frequency). This variant has not been reported in the literature in individuals affected with ACADM-related conditions. This variant disrupts a region of the ACADM protein in which other variant(s) (p.Ile410Thr) have been determined to be pathogenic (PMID: 31012112). This suggests that this is a clinically significant region of the protein, and that variants that disrupt it are likely to be disease-causing. For these reasons, this variant has been classified as Pathogenic.

Literature cited by the submitters: PubMed 31012112.